The following is an entry in ClinVar:

ClinVar aggregate classification (germline): Likely pathogenic (1 of 4 stars; one submission).

Submission:

GeneDx
Classification: Likely pathogenic. Last evaluated: 2015-10-22. Review status: criteria provided, single submitter. Criteria: GeneDx Variant Classification (06012015). Collection method: clinical testing. Allele origin: germline. Affected: yes.
Comment: The T188I variant in the COL12A1 gene has not been published as a pathogenic variant, nor has it been reported as a benign polymorphism to our knowledge. The T188I variant was not observed in approximately 5900 individuals of European and African American ancestry in the NHLBI Exome Sequencing Project, indicating it is not a common benign variant in these populations. The T188I variant is a non-conservative amino acid substitution, which is likely to impact secondary protein structure as these residues differ in polarity, charge, size and/or other properties. This substitution occurs at a position that is conserved in mammals. In silico analysis is inconsistent in its predictions as to whether or not the variant is damaging to the protein structure/function. The T188I variant is a strong candidate for a pathogenic variant, however the possibility it may be a rare benign variant cannot be excluded.

NM_004370.6(COL12A1):c.563C>T (p.Thr188Ile)

Gene: COL12A1 (collagen type XII alpha 1 chain; minus strand). Cytogenetic location: 6q13.
Variant type: single nucleotide variant.
Coding change: c.563C>T on transcript NM_004370.6 (MANE Select); coding-DNA position 563, C replaced by T.
Protein change: p.Thr188Ile; replaces threonine 188 with isoleucine.
Molecular consequence: missense variant. On other transcripts: intron variant (1).
Genome position (GRCh38, 1-based): chr6:75,189,647, G>A on the plus strand (C>T on the coding strand, the complement: COL12A1 is on the minus strand). VCF-style: chr6-75189647-G-A. GRCh37 (hg19) VCF-style: chr6-75899363-G-A.
Other names: c.73+13073C>T (NM_080645.3); short protein forms T188I.
Identifiers: ClinVar variation 429777 (VCV000429777.2), dbSNP rs1131691587, ClinGen allele CA364728957.